The following is an entry in ClinVar:

ClinVar aggregate classification (germline): Uncertain significance (1 of 4 stars; one submission).

Conditions:
Imerslund-Grasbeck syndrome. Also called: Imerslund-Gräsbeck syndrome; ENTEROCYTE COBALAMIN MALABSORPTION; ENTEROCYTE INTRINSIC FACTOR RECEPTOR, DEFECT OF; PERNICIOUS ANEMIA, JUVENILE, DUE TO SELECTIVE INTESTINAL MALABSORPTION OF VITAMIN B12, WITH PROTEINURIA; Megaloblastic anemia due to inborn errors of metabolism. Identifiers: Orphanet 35858, MedGen C4551825, MONDO:0009853.

Allele frequency attached by ClinVar (database versions not stated): gnomAD 0.00002 and 0.00004; TOPMed 0.00003; gnomAD exomes 0.00006 and 0.00008; ExAC 0.00010.
gnomAD v4.1: 91 of 1,614,092 alleles (0.0056%); highest among the groups gnomAD compares: South Asian, 0.031%; no homozygotes.

Submission:

Labcorp Genetics (formerly Invitae), Labcorp
Classification: Uncertain significance for Imerslund-Grasbeck syndrome. Last evaluated: 2022-12-20. Review status: criteria provided, single submitter. Criteria: Invitae Variant Classification Sherloc (09022015). Collection method: clinical testing. Allele origin: germline.
Comment: In summary, the available evidence is currently insufficient to determine the role of this variant in disease. Therefore, it has been classified as a Variant of Uncertain Significance. Advanced modeling of protein sequence and biophysical properties (such as structural, functional, and spatial information, amino acid conservation, physicochemical variation, residue mobility, and thermodynamic stability) performed at Invitae indicates that this missense variant is not expected to disrupt CUBN protein function. ClinVar contains an entry for this variant (Variation ID: 1376134). This variant has not been reported in the literature in individuals affected with CUBN-related conditions. This variant is present in population databases (rs757561186, gnomAD 0.03%). This sequence change replaces asparagine, which is neutral and polar, with serine, which is neutral and polar, at codon 2777 of the CUBN protein (p.Asn2777Ser).

NM_001081.4(CUBN):c.8330A>G (p.Asn2777Ser)

Gene: CUBN (cubilin; minus strand). Cytogenetic location: 10p13.
Variant type: single nucleotide variant.
Coding change: c.8330A>G on transcript NM_001081.4 (MANE Select); coding-DNA position 8330, A replaced by G.
Protein change: p.Asn2777Ser; replaces asparagine 2777 with serine.
Molecular consequence: missense variant.
Genome position (GRCh38, 1-based): chr10:16,900,705, T>C on the plus strand (A>G on the coding strand, the complement: CUBN is on the minus strand). VCF-style: chr10-16900705-T-C. GRCh37 (hg19) VCF-style: chr10-16942704-T-C.
Other names: short protein forms N2777S.
Identifiers: ClinVar variation 1376134 (VCV001376134.4), dbSNP rs757561186, ClinGen allele CA5423070.